The following is an entry in ClinVar:

NM_006231.4(POLE):c.2908G>A (p.Gly970Ser)

Gene: POLE (DNA polymerase epsilon, catalytic subunit; minus strand). Cytogenetic location: 12q24.33.
Variant type: single nucleotide variant.
Coding change: c.2908G>A on transcript NM_006231.4 (MANE Select); coding-DNA position 2908, G replaced by A.
Protein change: p.Gly970Ser; replaces glycine 970 with serine.
Molecular consequence: missense variant.
Genome position (GRCh38, 1-based): chr12:132,661,121, C>T on the plus strand (G>A on the coding strand, the complement: POLE is on the minus strand). VCF-style: chr12-132661121-C-T. GRCh37 (hg19) VCF-style: chr12-133237707-C-T.
Other names: short protein forms G970S.
Identifiers: ClinVar variation 505569 (VCV000505569.20), dbSNP rs1480250083, ClinGen allele CA387392747.
Genomic context (GRCh38, chr12:132,661,121, plus strand): 5'-ACACCGAGGATTGGAAGATCTTAATCAGCTGCAGTTCCCCGCGGCGTTTGACCTCAAAGC[C>T]CTTGAGCTCAGCCAGAGAACCGTCTTCATTGAACACAGCATACCTGAAAAAAAAAAAAAA-3'
Protein context (NP_006222.2, residues 960-980): NEDGSLAELK[Gly970Ser]FEVKRRGELQ

ClinVar aggregate classification (germline): Uncertain significance. Review status: criteria provided, multiple submitters, no conflicts (2 of 4 stars). 5 submissions from 5 submitters: Uncertain significance (5). Last evaluated 2025-12-29.

Conditions:
Hereditary cancer-predisposing syndrome. Also called: Neoplastic Syndromes, Hereditary; Hereditary Cancer Syndrome; Tumor predisposition; Hereditary neoplastic syndrome. Identifiers: Orphanet 140162, MedGen C0027672, MeSH D009386, MONDO:0015356.

Allele frequency attached by ClinVar (database versions not stated): TOPMed 0.00002.

Submissions (5):

Labcorp Genetics (formerly Invitae), Labcorp
Classification: Uncertain significance. Last evaluated: 2025-12-29. Review status: criteria provided, single submitter. Criteria: Invitae Variant Classification Sherloc (09022015). Collection method: clinical testing. Allele origin: germline.
Comment: This sequence change replaces glycine, which is neutral and non-polar, with serine, which is neutral and polar, at codon 970 of the POLE protein (p.Gly970Ser). This variant is not present in population databases (gnomAD no frequency). This variant has not been reported in the literature in individuals affected with POLE-related conditions. ClinVar contains an entry for this variant (Variation ID: 505569). Invitae Evidence Modeling of protein sequence and biophysical properties (such as structural, functional, and spatial information, amino acid conservation, physicochemical variation, residue mobility, and thermodynamic stability) indicates that this missense variant is expected to disrupt POLE protein function with a positive predictive value of 80%. In summary, the available evidence is currently insufficient to determine the role of this variant in disease. Therefore, it has been classified as a Variant of Uncertain Significance.

Ambry Genetics
Classification: Uncertain significance for Hereditary cancer-predisposing syndrome. Last evaluated: 2025-05-27. Review status: criteria provided, single submitter. Criteria: Ambry Variant Classification Scheme 2023. Collection method: clinical testing. Allele origin: germline.
Comment: The p.G970S variant (also known as c.2908G>A), located in coding exon 25 of the POLE gene, results from a G to A substitution at nucleotide position 2908. The glycine at codon 970 is replaced by serine, an amino acid with similar properties. This amino acid position is highly conserved in available vertebrate species. In addition, this alteration is predicted to be deleterious by in silico analysis. Based on the available evidence, the clinical significance of this variant remains unclear.

GeneDx
Classification: Uncertain significance. Last evaluated: 2023-11-06. Review status: criteria provided, single submitter. Criteria: GeneDx Variant Classification Process June 2021. Collection method: clinical testing. Allele origin: germline. Affected: yes.
Comment: Not observed at significant frequency in large population cohorts (gnomAD); In silico analysis supports that this missense variant has a deleterious effect on protein structure/function; Has not been previously published as pathogenic or benign to our knowledge; This variant is associated with the following publications: (PMID: 20951805, 37891325)

Genetic Services Laboratory, University of Chicago
Classification: Uncertain significance. Last evaluated: 2020-03-02. Review status: criteria provided, single submitter. Criteria: ACMG Guidelines, 2015. Collection method: clinical testing. Allele origin: germline. Affected: no.
Comment: DNA sequence analysis of the POLE gene demonstrated a sequence change, c.2908G>A, in exon 25 that results in an amino acid change, p.Gly970Ser. This sequence change does not appear to have been previously described in patients with POLE-related disorders. This sequence change is absent from the large population databases (ExAC and gnomAD). The p.Gly970Ser change affects a highly conserved amino acid residue located in a domain of the POLE protein that is known to be functional. The p.Gly970Ser substitution appears to be deleterious using several in-silico pathogenicity prediction tools (SIFT, PolyPhen2, Align GVGD, REVEL). Due to these contrasting evidences and the lack of functional studies, the clinical significance of the p.Gly970Ser change remains unknown at this time.

Laboratory for Molecular Medicine, Mass General Brigham Personalized Medicine
Classification: Uncertain significance. Last evaluated: 2017-02-26. Review status: criteria provided, single submitter. Criteria: LMM Criteria. Collection method: clinical testing. Allele origin: germline. Observed: 1 variant allele.
Comment: The p.Gly970Ser variant in POLE has not been previously reported in individuals with colorectal cancer or in large population studies. Computational prediction tools and conservation analysis suggest that the p.Gly970Ser variant may impact the protein, though this information is not predictive enough to determine patho genicity. In summary, the clinical significance of the p.Gly970Ser variant is un certain.